The following is an entry in ClinVar:

NM_005007.4(NFKBIL1):c.378C>T (p.Ser126=)

Gene: NFKBIL1 (NFKB inhibitor like 1; plus strand). Cytogenetic location: 6p21.33.
Variant type: single nucleotide variant.
Coding change: c.378C>T on transcript NM_005007.4 (MANE Select); coding-DNA position 378, C replaced by T.
Protein change: p.Ser126=; no amino-acid change (serine 126 retained).
Molecular consequence: synonymous variant.
Genome position (GRCh38, 1-based): chr6:31,557,671, C>T. VCF-style: chr6-31557671-C-T. GRCh37 (hg19) VCF-style: chr6-31525448-C-T.
Other names: c.378C>T, p.Ser126= (NM_001144961.2); c.309C>T, p.Ser103= (NM_001144962.2, NM_001144963.2).
Identifiers: ClinVar variation 3060308 (VCV003060308.2), dbSNP rs2230365, ClinGen allele CA3713636.

ClinVar aggregate classification (germline): Benign (0 of 4 stars; one submission).

Conditions:
NFKBIL1-related disorder. Also called: NFKBIL1-related condition.

Allele frequency attached by ClinVar (database versions not stated): TOPMed 0.12289; ESP Exome Variant Server 0.12317; gnomAD 0.13188; 1000 Genomes Project 30x 0.13632; 1000 Genomes Project 0.14177; gnomAD exomes 0.15332; ExAC 0.16897.
gnomAD v4.1: 238,568 of 1,575,870 alleles (15%); highest among the groups gnomAD compares: East Asian, 25%; 19,538 homozygotes.

Submission:

PreventionGenetics, part of Exact Sciences
Classification: Benign for NFKBIL1-related condition. Last evaluated: 2019-10-17. Review status: no assertion criteria provided. Collection method: clinical testing. Allele origin: germline.
Comment: This variant is classified as benign based on ACMG/AMP sequence variant interpretation guidelines (Richards et al. 2015 PMID: 25741868, with internal and published modifications).